The following is an entry in ClinVar:

NM_172107.4(KCNQ2):c.927+5G>A

Gene: KCNQ2 (potassium voltage-gated channel subfamily Q member 2; minus strand). Cytogenetic location: 20q13.33.
Variant type: single nucleotide variant.
Coding change: c.927+5G>A on transcript NM_172107.4 (MANE Select); 5 bases into the intron after coding-DNA position 927, G replaced by A.
Molecular consequence: intron variant.
Genome position (GRCh38, 1-based): chr20:63,439,593, C>T on the plus strand (G>A on the coding strand, the complement: KCNQ2 is on the minus strand). VCF-style: chr20-63439593-C-T. GRCh37 (hg19) VCF-style: chr20-62070946-C-T.
Other names: c.927+5G>A (NM_004518.6, NM_172108.5, NM_172106.3 and 2 more transcripts).
Identifiers: ClinVar variation 2090516 (VCV002090516.4), dbSNP rs2516418336, ClinGen allele CA2580098402.

ClinVar aggregate classification (germline): Uncertain significance (1 of 4 stars; one submission).

Conditions:
Early-infantile DEE. Also called: Ohtahara syndrome; Early infantile epileptic encephalopathy with suppression bursts; Early infantile epileptic encephalopathy. Identifiers: Orphanet 1934, MedGen C0393706, MONDO:0800491.

Submission:

Labcorp Genetics (formerly Invitae), Labcorp
Classification: Uncertain significance for Early-infantile DEE. Last evaluated: 2022-02-22. Review status: criteria provided, single submitter. Criteria: Invitae Variant Classification Sherloc (09022015). Collection method: clinical testing. Allele origin: germline.
Comment: This sequence change falls in intron 6 of the KCNQ2 gene. It does not directly change the encoded amino acid sequence of the KCNQ2 protein. It affects a nucleotide within the consensus splice site. This variant is not present in population databases (gnomAD no frequency). This variant has not been reported in the literature in individuals affected with KCNQ2-related conditions. Variants that disrupt the consensus splice site are a relatively common cause of aberrant splicing (PMID: 17576681, 9536098). Algorithms developed to predict the effect of sequence changes on RNA splicing suggest that this variant may disrupt the consensus splice site. This variant disrupts the c.927+5 nucleotide in the KCNQ2 gene. Other variant(s) that disrupt this nucleotide have been determined to be pathogenic (PMID: 33659638). This suggests that this nucleotide is clinically significant, and that variants that disrupt this position are likely to be disease-causing. In summary, the available evidence is currently insufficient to determine the role of this variant in disease. Therefore, it has been classified as a Variant of Uncertain Significance.

Literature cited by the submitters: PubMed 17576681; PubMed 9536098; PubMed 33659638.